The following is an entry in ClinVar:

NM_004260.4(RECQL4):c.1035G>A (p.Leu345=)

Gene: RECQL4 (RecQ like helicase 4; minus strand). Cytogenetic location: 8q24.3.
Variant type: single nucleotide variant.
Coding change: c.1035G>A on transcript NM_004260.4 (MANE Select); coding-DNA position 1035, G replaced by A.
Protein change: p.Leu345=; no amino-acid change (leucine 345 retained).
Molecular consequence: synonymous variant. On other transcripts: 5 prime UTR variant (16), non-coding transcript variant (3), intron variant (3).
Genome position (GRCh38, 1-based): chr8:144,516,084, C>T on the plus strand (G>A on the coding strand, the complement: RECQL4 is on the minus strand). VCF-style: chr8-144516084-C-T. GRCh37 (hg19) VCF-style: chr8-145741468-C-T.
Other names: c.1035G>A, p.Leu345= (NM_001413018.1, NM_001413019.1, NM_001413033.1 and 2 more transcripts); c.-37G>A (NM_001413021.1, NM_001413022.1, NM_001413023.1 and 7 more transcripts); c.906G>A, p.Leu302= (NM_001413025.1); c.-99G>A (NM_001413027.1, NM_001413030.1, NM_001413031.1 and 2 more transcripts); c.684G>A, p.Leu228= (NM_001413029.1); c.-306G>A (NM_001413043.1); c.954-15G>A (NM_001413017.1, NM_001413020.1); c.-22-15G>A (NM_001413034.1).
Identifiers: ClinVar variation 2014536 (VCV002014536.4), dbSNP rs1586821723, ClinGen allele CA463567444.

ClinVar aggregate classification (germline): Uncertain significance (1 of 4 stars; one submission).

Conditions:
Baller-Gerold syndrome (BGS). Also called: CRANIOSYNOSTOSIS WITH RADIAL DEFECTS. Identifiers: Orphanet 1225, MedGen C0265308, MONDO:0009039, OMIM 218600.

Submission:

Labcorp Genetics (formerly Invitae), Labcorp
Classification: Uncertain significance for Baller-Gerold syndrome. Last evaluated: 2022-07-06. Review status: criteria provided, single submitter. Criteria: Invitae Variant Classification Sherloc (09022015). Collection method: clinical testing. Allele origin: germline.
Comment: This sequence change affects codon 345 of the RECQL4 mRNA. It is a 'silent' change, meaning that it does not change the encoded amino acid sequence of the RECQL4 protein. This variant is not present in population databases (gnomAD no frequency). This variant has not been reported in the literature in individuals affected with RECQL4-related conditions. Algorithms developed to predict the effect of sequence changes on RNA splicing suggest that this variant may disrupt the consensus splice site. In summary, the available evidence is currently insufficient to determine the role of this variant in disease. Therefore, it has been classified as a Variant of Uncertain Significance.